The following is an entry in ClinVar:

NM_007294.4(BRCA1):c.1107_1108insCT (p.Val370fs)

Gene: BRCA1 (BRCA1 DNA repair associated; minus strand). Cytogenetic location: 17q21.31.
Variant type: Insertion.
Coding change: c.1107_1108insCT on transcript NM_007294.4 (MANE Select); coding-DNA positions 1107 to 1108, CT inserted.
Protein change: p.Val370fs; shifts the reading frame from valine 370.
Molecular consequence: frameshift variant. On other transcripts: intron variant (137).
Genome position: GRCh38 VCF-style: chr17-43094423-C-CAG. GRCh37 (hg19) VCF-style: chr17-41246440-C-CAG.
Other names: c.1107_1108insCT, p.Val370fs (NM_007294.3, NM_001407581.1, NM_001407582.1 and 31 more transcripts); c.894_895insCT, p.Val299fs (NM_001407571.1, NM_001407895.1, NM_001407896.1 and 9 more transcripts); c.1104_1105insCT, p.Val369fs (NM_001407587.1, NM_001407590.1, NM_001407591.1 and 22 more transcripts); c.1098_1099insCT, p.Val367fs (NM_001407646.1, NM_001407647.1); c.984_985insCT, p.Val329fs (NM_001407648.1, NM_001407664.1, NM_001407665.1 and 19 more transcripts); c.981_982insCT, p.Val328fs (NM_001407649.1, NM_001407670.1, NM_001407671.1 and 11 more transcripts); c.1029_1030insCT, p.Val344fs (NM_001407653.1, NM_001407654.1, NM_001407655.1 and 4 more transcripts); c.1026_1027insCT, p.Val343fs (NM_001407659.1, NM_001407660.1, NM_001407661.1 and 1 more transcripts); and 40 more; short protein forms V323fs, V370fs, V242fs, V259fs, V300fs, V243fs, V282fs, V329fs.
Identifiers: ClinVar variation 548288 (VCV000548288.2), dbSNP rs1555592487, ClinGen allele CA658824537.
Genomic context (GRCh38, chr17:43,094,423, plus strand): 5'-CACTTCTGGAAAACCACTCATTAACTTTCTGAATGCTGCTATTTAGTGTTATCCAAGGAA[C>CAG]ATCTTCAGTATCTCTAGGATTCTCTGAGCATGGCAGTTTCTGCTTATTCCATTCTTTTCT-3'

ClinVar aggregate classification (germline): Pathogenic (3 of 4 stars; one submission).

Conditions:
Breast-ovarian cancer, familial, susceptibility to, 1 (BROVCA1). Also called: BRCA1 Hereditary Breast and Ovarian Cancer; OVARIAN CANCER, SUSCEPTIBILITY TO. Identifiers: Orphanet 145, MedGen C2676676, MONDO:0011450, OMIM 604370. Disease mechanism: loss of function.

Submission:

Evidence-based Network for the Interpretation of Germline Mutant Alleles (ENIGMA)
Classification: Pathogenic for Breast-ovarian cancer, familial, susceptibility to, 1. Last evaluated: 2017-12-15. Review status: reviewed by expert panel. Criteria: ENIGMA BRCA1/2 Classification Criteria (2017-06-29). Collection method: curation. Allele origin: germline. Study: ENIGMA.
Comment: Variant allele predicted to encode a truncated non-functional protein.